The following is an entry in ClinVar:

NM_018993.4(RIN2):c.1217G>A (p.Gly406Glu)

Gene: RIN2 (Ras and Rab interactor 2; plus strand). Cytogenetic location: 20p11.23.
Variant type: single nucleotide variant.
Coding change: c.1217G>A on transcript NM_018993.4 (MANE Select); coding-DNA position 1217, G replaced by A.
Protein change: p.Gly406Glu; replaces glycine 406 with glutamic acid.
Molecular consequence: missense variant.
Genome position (GRCh38, 1-based): chr20:19,975,242, G>A. VCF-style: chr20-19975242-G-A. GRCh37 (hg19) VCF-style: chr20-19955886-G-A.
Other names: c.1364G>A, p.Gly455Glu (NM_001242581.2); c.599G>A, p.Gly200Glu (NM_001378238.1); c.1217G>A (NM_018993.3); short protein forms G200E, G406E, G455E.
Identifiers: ClinVar variation 1370844 (VCV001370844.6), dbSNP rs762517136, ClinGen allele CA9780037.
Genomic context (GRCh38, chr20:19,975,242, plus strand): 5'-CGGAGCTGGAGCTGGGCACAGCTGGCAGCCCAGGTGGGGCCCCGCCTGAGGCCGCCCCGG[G>A]GGATTGCACAAGGGCCCCGCCGCCCAGCTCTGAATCACGGCCCCCGTGCCATGGAGGCCG-3'
Protein context (NP_061866.1, residues 396-416): PGGAPPEAAP[Gly406Glu]DCTRAPPPSS

ClinVar aggregate classification (germline): Uncertain significance. Review status: criteria provided, multiple submitters, no conflicts (2 of 4 stars). 3 submissions from 3 submitters: Uncertain significance (3). Last evaluated 2025-12-08.

Allele frequency attached by ClinVar (database versions not stated): gnomAD 0.00003 and 0.00004; TOPMed 0.00003; gnomAD exomes 0.00004; ExAC 0.00011.
gnomAD v4.1: 90 of 1,583,732 alleles (0.0057%); highest among the groups gnomAD compares: Non-Finnish European, 0.0075%; no homozygotes.

Submissions (3):

Labcorp Genetics (formerly Invitae), Labcorp
Classification: Uncertain significance. Last evaluated: 2025-12-08. Review status: criteria provided, single submitter. Criteria: Invitae Variant Classification Sherloc (09022015). Collection method: clinical testing. Allele origin: germline.
Comment: This sequence change replaces glycine, which is neutral and non-polar, with glutamic acid, which is acidic and polar, at codon 406 of the RIN2 protein (p.Gly406Glu). This variant is present in population databases (rs762517136, gnomAD 0.008%). This variant has not been reported in the literature in individuals affected with RIN2-related conditions. ClinVar contains an entry for this variant (Variation ID: 1370844). An algorithm developed to predict the effect of missense changes on protein structure and function outputs the following: PolyPhen-2: "Not Available". The glutamic acid amino acid residue is found in multiple mammalian species, which suggests that this missense change does not adversely affect protein function. In summary, the available evidence is currently insufficient to determine the role of this variant in disease. Therefore, it has been classified as a Variant of Uncertain Significance.

GeneDx
Classification: Uncertain significance. Last evaluated: 2024-11-19. Review status: criteria provided, single submitter. Criteria: GeneDx Variant Classification Process June 2021. Collection method: clinical testing. Allele origin: germline. Affected: yes.
Comment: Not observed at significant frequency in large population cohorts (gnomAD); In silico analysis indicates that this missense variant does not alter protein structure/function; Has not been previously published as pathogenic or benign to our knowledge

Breakthrough Genomics
Classification: Uncertain significance. Review status: criteria provided, single submitter. Criteria: ACMG Guidelines, 2015. Collection method: not provided. Allele origin: germline. Inheritance: Autosomal dominant inheritance. Affected: yes.